The following is an entry in ClinVar:

ClinVar aggregate classification (germline): Uncertain significance (1 of 4 stars; one submission).

gnomAD v4.1: 1 of 1,613,878 alleles (0.000062%); highest among the groups gnomAD compares: Non-Finnish European, 0.000085%; no homozygotes.

Submission:

Labcorp Genetics (formerly Invitae), Labcorp
Classification: Uncertain significance. Last evaluated: 2022-10-13. Review status: criteria provided, single submitter. Criteria: Invitae Variant Classification Sherloc (09022015). Collection method: clinical testing. Allele origin: germline.
Comment: In summary, the available evidence is currently insufficient to determine the role of this variant in disease. Therefore, it has been classified as a Variant of Uncertain Significance. Experimental studies and prediction algorithms are not available or were not evaluated, and the functional significance of this variant is currently unknown. ClinVar contains an entry for this variant (Variation ID: 1468317). This variant has not been reported in the literature in individuals affected with ARMC9-related conditions. This variant is not present in population databases (gnomAD no frequency). This sequence change replaces histidine, which is basic and polar, with leucine, which is neutral and non-polar, at codon 284 of the ARMC9 protein (p.His284Leu).

NM_001352754.2(ARMC9):c.851A>T (p.His284Leu)

Gene: ARMC9 (armadillo repeat containing 9; plus strand). Cytogenetic location: 2q37.1.
Variant type: single nucleotide variant.
Coding change: c.851A>T on transcript NM_001352754.2 (MANE Select); coding-DNA position 851, A replaced by T.
Protein change: p.His284Leu; replaces histidine 284 with leucine.
Molecular consequence: missense variant. On other transcripts: non-coding transcript variant (1), intron variant (2).
Genome position (GRCh38, 1-based): chr2:231,240,013, A>T. VCF-style: chr2-231240013-A-T. GRCh37 (hg19) VCF-style: chr2-232104726-A-T.
Other names: c.851A>T, p.His284Leu (NM_001271466.4, NM_001291656.2, NM_001352755.2 and 3 more transcripts); c.780+4632A>T (NM_001352757.2, NM_001352758.2); short protein forms H284L.
Identifiers: ClinVar variation 1468317 (VCV001468317.6), dbSNP rs769363225, ClinGen allele CA350952518.